The following is an entry in ClinVar:

ClinVar aggregate classification (germline): Uncertain significance (1 of 4 stars; one submission).

Submission:

Quest Diagnostics Nichols Institute San Juan Capistrano
Classification: Uncertain significance. Last evaluated: 2025-05-28. Review status: criteria provided, single submitter. Criteria: Quest Diagnostics criteria. Collection method: clinical testing. Allele origin: unknown.
Comment: The BRCA1 c.4642A>G (p.Thr1548Ala) variant has not been reported in individuals with BRCA1-related conditions in the published literature, to the best of our knowledge. Experimental evidence regarding the effect of this variant on protein function is inconclusive (PMID: 37917606 (2023)). This variant also has not been reported in large, multi-ethnic general populations (Genome Aggregation Database). Analysis of this variant using bioinformatics tools for the prediction of the effect of amino acid changes on protein structure and function yielded predictions that this variant is benign. Based on the available information, we are unable to determine the clinical significance of this variant.

Literature cited by the submitters: PubMed 37917606.

NM_007294.4(BRCA1):c.4642A>G (p.Thr1548Ala)

Gene: BRCA1 (BRCA1 DNA repair associated; minus strand). Cytogenetic location: 17q21.31.
Variant type: single nucleotide variant.
Coding change: c.4642A>G on transcript NM_007294.4 (MANE Select); coding-DNA position 4642, A replaced by G.
Protein change: p.Thr1548Ala; replaces threonine 1548 with alanine.
Molecular consequence: missense variant. On other transcripts: intron variant (3).
Genome position (GRCh38, 1-based): chr17:43,074,364, T>C on the plus strand (A>G on the coding strand, the complement: BRCA1 is on the minus strand). VCF-style: chr17-43074364-T-C. GRCh37 (hg19) VCF-style: chr17-41226381-T-C.
Other names: c.1252A>G, p.Thr418Ala (NM_001408412.1, NM_001408413.1, NM_001408414.1 and 2 more transcripts); c.1216A>G, p.Thr406Ala (NM_001408418.1, NM_001408419.1, NM_001408420.1); c.1213A>G, p.Thr405Ala (NM_001408421.1, NM_001408422.1, NM_001408423.1 and 1 more transcripts); c.1210A>G, p.Thr404Ala (NM_001408425.1, NM_001408426.1, NM_001408427.1 and 4 more transcripts); c.1207A>G, p.Thr403Ala (NM_001408432.1, NM_001408433.1, NM_001408434.1 and 10 more transcripts); c.1204A>G, p.Thr402Ala (NM_001408445.1, NM_001408446.1, NM_001408447.1 and 2 more transcripts); c.1198A>G, p.Thr400Ala (NM_001408451.1); c.1192A>G, p.Thr398Ala (NM_001408452.1, NM_001408453.1, NM_001408454.1 and 3 more transcripts); and 71 more; short protein forms T1251A, T1252A, T1379A, T1419A, T1420A, T1421A, T1435A, T1436A.
Identifiers: ClinVar variation 4533109 (VCV004533109.1).